The following is an entry in ClinVar:

NM_001009944.3(PKD1):c.9796A>G (p.Ile3266Val)

Gene: PKD1 (polycystin 1, transient receptor potential channel interacting; minus strand). Cytogenetic location: 16p13.3.
Variant type: single nucleotide variant.
Coding change: c.9796A>G on transcript NM_001009944.3 (MANE Select); coding-DNA position 9796, A replaced by G.
Protein change: p.Ile3266Val; replaces isoleucine 3266 with valine.
Molecular consequence: missense variant.
Genome position (GRCh38, 1-based): chr16:2,099,988, T>C on the plus strand (A>G on the coding strand, the complement: PKD1 is on the minus strand). VCF-style: chr16-2099988-T-C. GRCh37 (hg19) VCF-style: chr16-2149989-T-C.
Other names: c.9796A>G, p.Ile3266Val (NM_000296.4); short protein forms I3266V.
Identifiers: ClinVar variation 4627708 (VCV004627708.2).

ClinVar aggregate classification (germline): Uncertain significance. Review status: criteria provided, multiple submitters, no conflicts (2 of 4 stars). 2 submissions from 2 submitters: Uncertain significance (2). Last evaluated 2026-09-01.

Conditions:
Inborn genetic diseases. Identifiers: MedGen C0950123, MeSH D030342.

Submissions (2):

CeGaT Center for Human Genetics Tuebingen
Classification: Uncertain significance. Last evaluated: 2026-09-01. Review status: criteria provided, single submitter. Criteria: CeGaT Center For Human Genetics Tuebingen Variant Classification Criteria Version 2. Collection method: clinical testing. Allele origin: germline. Affected: yes. Observed: 1 variant allele.
Comment: PKD1: PM2, BP4

Ambry Genetics
Classification: Uncertain significance for Inborn genetic diseases. Last evaluated: 2025-09-25. Review status: criteria provided, single submitter. Criteria: Ambry Variant Classification Scheme 2023. Collection method: clinical testing. Allele origin: germline.